The following is an entry in ClinVar:

NM_017636.4(TRPM4):c.1997T>C (p.Phe666Ser)

Gene: TRPM4 (transient receptor potential cation channel subfamily M member 4; plus strand). Cytogenetic location: 19q13.33.
Variant type: single nucleotide variant.
Coding change: c.1997T>C on transcript NM_017636.4 (MANE Select); coding-DNA position 1997, T replaced by C.
Protein change: p.Phe666Ser; replaces phenylalanine 666 with serine.
Molecular consequence: missense variant.
Genome position (GRCh38, 1-based): chr19:49,189,069, T>C. VCF-style: chr19-49189069-T-C. GRCh37 (hg19) VCF-style: chr19-49692326-T-C.
Other names: c.1997T>C, p.Phe666Ser (NM_001195227.2); c.1652T>C, p.Phe551Ser (NM_001321281.2); c.389T>C, p.Phe130Ser (NM_001321282.2); c.1475T>C, p.Phe492Ser (NM_001321283.2); c.935T>C, p.Phe312Ser (NM_001321285.2); short protein forms F551S, F666S, F130S, F492S, F312S.
Identifiers: ClinVar variation 4695380 (VCV004695380.1).
Genomic context (GRCh38, chr19:49,189,069, plus strand): 5'-GCCCGCTCTGGGGGGATGCCACTTGCCTCCAGCTGGCCATGCAAGCTGACGCCCGTGCCT[T>C]CTTTGCCCAGGATGGGGTACAGGTGAGTATCTGCGACACCAACATCCCAAACAGTCTCCA-3'
Protein context (NP_060106.2, residues 656-676): QLAMQADARA[Phe666Ser]FAQDGVQSLL

ClinVar aggregate classification (germline): Uncertain significance (1 of 4 stars; one submission).

Conditions:
Progressive familial heart block type IB (PFHB1B). Identifiers: Orphanet 871, MedGen C1970298, MONDO:0011474, OMIM 604559.

Submission:

Labcorp Genetics (formerly Invitae), Labcorp
Classification: Uncertain significance for Progressive familial heart block type IB. Last evaluated: 2025-04-11. Review status: criteria provided, single submitter. Criteria: Invitae Variant Classification Sherloc (09022015). Collection method: clinical testing. Allele origin: germline.
Comment: This sequence change replaces phenylalanine, which is neutral and non-polar, with serine, which is neutral and polar, at codon 666 of the TRPM4 protein (p.Phe666Ser). This variant is not present in population databases (gnomAD no frequency). This variant has not been reported in the literature in individuals affected with TRPM4-related conditions. An algorithm developed to predict the effect of missense changes on protein structure and function (PolyPhen-2) suggests that this variant is likely to be disruptive. In summary, the available evidence is currently insufficient to determine the role of this variant in disease. Therefore, it has been classified as a Variant of Uncertain Significance.